The following is an entry in ClinVar:

NM_017934.7(PHIP):c.4713G>C (p.Arg1571Ser)

Genes: IRAK1BP1 (interleukin 1 receptor associated kinase 1 binding protein 1; plus strand), PHIP (PHIP subunit of CUL4-Ring ligase complex; minus strand). Cytogenetic location: 6q14.1.
Variant type: single nucleotide variant.
Coding change: c.4713G>C on transcript NM_017934.7 (MANE Select); coding-DNA position 4713, G replaced by C.
Protein change: p.Arg1571Ser; replaces arginine 1571 with serine.
Molecular consequence: missense variant.
Genome position (GRCh38, 1-based): chr6:78,945,415, C>G on the plus strand (G>C on the coding strand, the complement: PHIP is on the minus strand). VCF-style: chr6-78945415-C-G. GRCh37 (hg19) VCF-style: chr6-79655132-C-G.
Other names: short protein forms R1571S.
Identifiers: ClinVar variation 2632299 (VCV002632299.1), dbSNP rs2481789124, ClinGen allele CA364635452.
Genomic context (GRCh38, chr6:78,945,415, plus strand): 5'-TGACTTCATTTTACGTTTGACTGGCTTTTCCTTTTCCATGTTTTCTTTTGCAGAATTATT[C>G]CTAGTGCCATGACTAAAACTGGATTGACCAGGACTGGAAAGAGTATTCAAAGCTTTGGAA-3'
Protein context (NP_060404.4, residues 1561-1581): PGQSSFSHGT[Arg1571Ser]NNSAKENMEK

ClinVar aggregate classification (germline): Uncertain significance (1 of 4 stars; one submission).

Conditions:
PHIP-related disorder. Also called: PHIP-related condition; PHIP-related disorders.

Submission:

PreventionGenetics, part of Exact Sciences
Classification: Uncertain significance for PHIP-related condition. Last evaluated: 2023-06-26. Review status: criteria provided, single submitter. Criteria: ACMG Guidelines, 2015. Collection method: clinical testing. Allele origin: germline.
Comment: The PHIP c.4713G>C variant is predicted to result in the amino acid substitution p.Arg1571Ser. To our knowledge, this variant has not been reported in the literature or in a large population database, indicating this variant is rare. At this time, the clinical significance of this variant is uncertain due to the absence of conclusive functional and genetic evidence.